The following is an entry in ClinVar:

ClinVar aggregate classification (germline): Uncertain significance (1 of 4 stars; one submission).

Allele frequency attached by ClinVar (database versions not stated): TOPMed 0.00001; ExAC 0.00002; gnomAD 0.00003; 1000 Genomes Project 0.00026; 1000 Genomes Project 30x 0.00042.
gnomAD v4.1: 3 of 1,208,101 alleles (0.00025%); highest among the groups gnomAD compares: African/African-American, 0.0052%; no homozygotes.

Submission:

Women's Health and Genetics/Laboratory Corporation of America, LabCorp
Classification: Uncertain significance. Last evaluated: 2022-08-19. Review status: criteria provided, single submitter. Criteria: LabCorp Variant Classification Summary - May 2015. Collection method: clinical testing. Allele origin: germline.
Comment: Variant summary: AIFM1 c.680T>C (p.Val227Ala) results in a non-conservative amino acid change located in the FAD/NAD(P)-binding domain (IPR023753) of the encoded protein sequence. Five of five in-silico tools predict a damaging effect of the variant on protein function. The variant allele was found at a frequency of 1.1e-05 in 183379 control chromosomes (gnomAD). The available data on variant occurrences in the general population are insufficient to allow any conclusion about variant significance. To our knowledge, no occurrence of c.680T>C in individuals affected with Combined Oxidative Phosphorylation Deficiency 6 and no experimental evidence demonstrating its impact on protein function have been reported. No clinical diagnostic laboratories have submitted clinical-significance assessments for this variant to ClinVar after 2014. Based on the evidence outlined above, the variant was classified as uncertain significance.

NM_004208.4(AIFM1):c.680T>C (p.Val227Ala)

Genes: AIFM1 (apoptosis inducing factor mitochondria associated 1; minus strand), RAB33A (RAB33A, member RAS oncogene family; plus strand). Cytogenetic location: Xq26.1.
Variant type: single nucleotide variant.
Coding change: c.680T>C on transcript NM_004208.4 (MANE Select); coding-DNA position 680, T replaced by C.
Protein change: p.Val227Ala; replaces valine 227 with alanine.
Molecular consequence: missense variant. On other transcripts: non-coding transcript variant (1).
Genome position (GRCh38, 1-based): chrX:130,145,495, A>G on the plus strand (T>C on the coding strand, the complement: AIFM1 is on the minus strand). VCF-style: chrX-130145495-A-G. GRCh37 (hg19) VCF-style: chrX-129279470-A-G.
Other names: c.680T>C, p.Val227Ala (NM_001130847.4); c.668T>C, p.Val223Ala (NM_145812.3); short protein forms V223A, V227A.
Identifiers: ClinVar variation 1705154 (VCV001705154.1), dbSNP rs772632422, ClinGen allele CA10515420.